The following is an entry in ClinVar:

NM_152672.6(SLC51A):c.832A>G (p.Asn278Asp)

Gene: SLC51A (solute carrier family 51 member A; plus strand). Cytogenetic location: 3q29.
Variant type: single nucleotide variant.
Coding change: c.832A>G on transcript NM_152672.6 (MANE Select); coding-DNA position 832, A replaced by G.
Protein change: p.Asn278Asp; replaces asparagine 278 with aspartic acid.
Molecular consequence: missense variant.
Genome position (GRCh38, 1-based): chr3:196,232,470, A>G. VCF-style: chr3-196232470-A-G. GRCh37 (hg19) VCF-style: chr3-195959341-A-G.
Other names: short protein forms N278D.
Identifiers: ClinVar variation 3165170 (VCV003165170.2), dbSNP rs202152149, ClinGen allele CA2779233.

ClinVar aggregate classification (germline): Conflicting classifications of pathogenicity. Review status: criteria provided, conflicting classifications (1 of 4 stars). 2 submissions from 2 submitters: Uncertain significance (1); Likely benign (1). Last evaluated 2025-10-20.

Conditions:
SLC51A-related disorder. Also called: SLC51A-related condition.

Allele frequency attached by ClinVar (database versions not stated): TOPMed 0.00006; gnomAD exomes 0.00007; gnomAD 0.00008; ExAC 0.00009; ESP Exome Variant Server 0.00015.
gnomAD v4.1: 122 of 1,614,234 alleles (0.0076%); highest among the groups gnomAD compares: Middle Eastern, 0.066%; no homozygotes.

Submissions (2):

PreventionGenetics, part of Exact Sciences
Classification: Likely benign for SLC51A-related condition. Last evaluated: 2025-10-20. Review status: criteria provided, single submitter. Criteria: ACMG Guidelines, 2015. Collection method: clinical testing. Allele origin: germline.
Comment: This variant is classified as likely benign based on ACMG/AMP sequence variant interpretation guidelines (Richards et al. 2015 PMID: 25741868, with internal and published modifications).

Ambry Genetics
Classification: Uncertain significance. Last evaluated: 2023-11-06. Review status: criteria provided, single submitter. Criteria: Ambry Variant Classification Scheme 2023. Collection method: clinical testing. Allele origin: germline.